The following is an entry in ClinVar:

ClinVar aggregate classification (germline): Uncertain significance (1 of 4 stars; one submission).

Conditions:
Cardiovascular phenotype. Identifiers: MedGen CN230736.

gnomAD v4.1: 7 of 1,613,930 alleles (0.00043%); highest among the groups gnomAD compares: Non-Finnish European, 0.00034%; no homozygotes.

Submission:

Ambry Genetics
Classification: Uncertain significance for Cardiovascular phenotype. Last evaluated: 2025-12-07. Review status: criteria provided, single submitter. Criteria: Ambry Variant Classification Scheme 2023. Collection method: clinical testing. Allele origin: germline.
Comment: The p.L3158S variant (also known as c.9473T>C), located in coding exon 26 of the APOB gene, results from a T to C substitution at nucleotide position 9473. The leucine at codon 3158 is replaced by serine, an amino acid with dissimilar properties. This amino acid position is conserved. In addition, the in silico prediction for this alteration is inconclusive. Based on the available evidence, the clinical significance of this variant remains unclear.

NM_000384.3(APOB):c.9473T>C (p.Leu3158Ser)

Gene: APOB (apolipoprotein B; minus strand). Cytogenetic location: 2p24.1.
Variant type: single nucleotide variant.
Coding change: c.9473T>C on transcript NM_000384.3 (MANE Select); coding-DNA position 9473, T replaced by C.
Protein change: p.Leu3158Ser; replaces leucine 3158 with serine.
Molecular consequence: missense variant.
Genome position (GRCh38, 1-based): chr2:21,007,395, A>G on the plus strand (T>C on the coding strand, the complement: APOB is on the minus strand). VCF-style: chr2-21007395-A-G. GRCh37 (hg19) VCF-style: chr2-21230267-A-G.
Other names: short protein forms L3158S.
Identifiers: ClinVar variation 4613694 (VCV004613694.1).
Genomic context (GRCh38, chr2:21,007,395, plus strand): 5'-TTATACTGAGCTTTTACACTTAAATCAAATGATTGCTTTGTCGTTTTCAAGAATTCCTTC[A>G]AGCCTGTTTTTTCCCATAGAGAGAAATCTTTCAGTGGAGGAGTTGTGATTATTGTGTAAG-3'
Protein context (NP_000375.3, residues 3148-3168): KDFSLWEKTG[Leu3158Ser]KEFLKTTKQS